The following is an entry in ClinVar:

NM_004260.4(RECQL4):c.2398_2404del (p.Gln800fs)

Gene: RECQL4 (RecQ like helicase 4; minus strand). Cytogenetic location: 8q24.3.
Variant type: Deletion.
Coding change: c.2398_2404del on transcript NM_004260.4 (MANE Select); coding-DNA positions 2398 to 2404, 7 bases deleted (CAGGCCG; older notation c.2398_2404delCAGGCCG).
Protein change: p.Gln800fs; shifts the reading frame from glutamine 800.
Molecular consequence: frameshift variant.
Genome position (GRCh38, 1-based): chr8:144,513,277-144,513,283, CGGCCTG deleted on the plus strand (CAGGCCG on the coding strand, the reverse complement: RECQL4 is on the minus strand); deleting any 7 consecutive bases within chr8:144,513,277-144,513,284 gives the same sequence; the c. name uses the placement nearest the transcript's 3' end. VCF-style (leftmost placement, unchanged base first): chr8-144513276-ACGGCCTG-A. GRCh37 (hg19) VCF-style: chr8-145738659-ACGGCCTG-A.
Other names: c.2397_2403delGCAGGCC, p.Gln800Trpfs (NM_001413019.1, NM_001413036.1); c.2301_2307delGCAGGCC, p.Gln768Trpfs (NM_001413020.1); c.1326_1332delGCAGGCC, p.Gln443Trpfs (NM_001413021.1, NM_001413022.1, NM_001413023.1 and 5 more transcripts); c.2268_2274delGCAGGCC, p.Gln757Trpfs (NM_001413025.1); c.1260_1266delGCAGGCC, p.Gln421Trpfs (NM_001413027.1, NM_001413030.1, NM_001413032.1 and 1 more transcripts); c.2046_2052delGCAGGCC, p.Gln683Trpfs (NM_001413029.1); c.1128_1134delGCAGGCC, p.Gln377Trpfs (NM_001413031.1); c.2265_2271delGCAGGCC, p.Gln756Trpfs (NM_001413033.1); and 4 more; short protein forms Q800fs.
Identifiers: ClinVar variation 2178209 (VCV002178209.4), dbSNP rs2538008671, ClinGen allele CA2580078721.

ClinVar aggregate classification (germline): Pathogenic (1 of 4 stars; one submission).

Conditions:
Baller-Gerold syndrome (BGS). Also called: CRANIOSYNOSTOSIS WITH RADIAL DEFECTS. Identifiers: Orphanet 1225, MedGen C0265308, MONDO:0009039, OMIM 218600.

Submission:

Labcorp Genetics (formerly Invitae), Labcorp
Classification: Pathogenic for Baller-Gerold syndrome. Last evaluated: 2023-11-17. Review status: criteria provided, single submitter. Criteria: Invitae Variant Classification Sherloc (09022015). Collection method: clinical testing. Allele origin: germline.
Comment: This sequence change creates a premature translational stop signal (p.Gln800Trpfs*41) in the RECQL4 gene. It is expected to result in an absent or disrupted protein product. Loss-of-function variants in RECQL4 are known to be pathogenic (PMID: 12734318, 12952869). This variant is not present in population databases (gnomAD no frequency). This variant has not been reported in the literature in individuals affected with RECQL4-related conditions. ClinVar contains an entry for this variant (Variation ID: 2178209). For these reasons, this variant has been classified as Pathogenic.

Literature cited by the submitters: PubMed 12734318; PubMed 12952869.